The following is an entry in ClinVar:

NM_001134665.3(TRMT10A):c.616G>A (p.Gly206Arg)

Gene: TRMT10A (tRNA methyltransferase 10A; minus strand). Cytogenetic location: 4q23.
Variant type: single nucleotide variant.
Coding change: c.616G>A on transcript NM_001134665.3 (MANE Select); coding-DNA position 616, G replaced by A.
Protein change: p.Gly206Arg; replaces glycine 206 with arginine.
Molecular consequence: missense variant.
Genome position (GRCh38, 1-based): chr4:99,553,814, C>T on the plus strand (G>A on the coding strand, the complement: TRMT10A is on the minus strand). VCF-style: chr4-99553814-C-T. GRCh37 (hg19) VCF-style: chr4-100474971-C-T.
Other names: c.616G>A, p.Gly206Arg (NM_001134666.3, NM_152292.5); short protein forms G206R.
Identifiers: ClinVar variation 156230 (VCV000156230.10), dbSNP rs587777744, ClinGen allele CA170799.
Genomic context (GRCh38, chr4:99,553,814, plus strand): 5'-AGCAAAAGCAAAAATAAAAATTTAATAGTACCTTGTGATGGTTGTGATCTACTAATCCTC[C>T]AATCACATAGGCCTTTGATTCATCTAATTCCTTCAGTATATTAGGTGAATCTGACGTAAG-3'
Protein context (NP_001128137.1, residues 196-216): ELDESKAYVI[Gly206Arg]GLVDHNHHKG

ClinVar aggregate classification (germline): Pathogenic. Review status: criteria provided, multiple submitters, no conflicts (2 of 4 stars). 4 submissions from 4 submitters: Pathogenic (2). 2 of the submissions do not count toward it. Last evaluated 2025-01-20.

Conditions:
Inborn genetic diseases. Identifiers: MedGen C0950123, MeSH D030342.
Microcephaly, short stature, and impaired glucose metabolism 1 (MSSGM1). Identifiers: Orphanet 391408, MedGen C4014997, MONDO:0000208, OMIM 616033.

Submissions (4):

Labcorp Genetics (formerly Invitae), Labcorp
Classification: Pathogenic. Last evaluated: 2025-01-20. Review status: criteria provided, single submitter. Criteria: Invitae Variant Classification Sherloc (09022015). Collection method: clinical testing. Allele origin: germline.
Comment: This sequence change replaces glycine, which is neutral and non-polar, with arginine, which is basic and polar, at codon 206 of the TRMT10A protein (p.Gly206Arg). This variant is not present in population databases (gnomAD no frequency). This missense change has been observed in individuals with clinical features of TRMT10A-related conditions (PMID: 25053765, 35137278). It has also been observed to segregate with disease in related individuals. ClinVar contains an entry for this variant (Variation ID: 156230). Invitae Evidence Modeling of protein sequence and biophysical properties (such as structural, functional, and spatial information, amino acid conservation, physicochemical variation, residue mobility, and thermodynamic stability) indicates that this missense variant is expected to disrupt TRMT10A protein function with a positive predictive value of 80%. Experimental studies have shown that this missense change affects TRMT10A function (PMID: 25053765). For these reasons, this variant has been classified as Pathogenic.

Ambry Genetics
Classification: Pathogenic for Inborn genetic diseases. Last evaluated: 2023-10-26. Review status: criteria provided, single submitter. Criteria: Ambry Variant Classification Scheme 2023. Collection method: clinical testing. Allele origin: germline.
Comment: The c.616G>A (p.G206R) alteration is located in coding exon 5 of the TRMT10A gene. This alteration results from a G to A substitution at nucleotide position 616, causing the glycine (G) at amino acid position 206 to be replaced by an arginine (R). This variant was not reported in population-based cohorts in the Genome Aggregation Database (gnomAD). This variant has been previously reported in homozygous form in three siblings from a Jewish community in Uzbekistan. All three siblings had microcephaly, developmental delays and intellectual disability, short stature, and altered glucose metabolism including episodes of hypoglycemia, hyperinsulinemia and abnormal response to glucose. They also had a low birth weight and experienced recurrent seizures from 5 to 6 years of age with normal EEG findings. This child was also noted to have IUGR during the pregnancy (Stern, 2022). This amino acid position is highly conserved in available vertebrate species. Authors performed in vitro functional studies with purified mutant p.G206R TRMT10A protein. Although binding of the mutant protein to a known tRNA substrate was similar to wild type, methylation studies showed almost complete loss of its methyltransferase activity. Gillis (2014) performed additional studies on this alteration using the yeast homolog, Trm10, and showed a significant reduction in the ability of the mutant protein to bind to the S-adenosyl methionine methyl donor. It was hypothesized that the loss of methyltransferase activity of the mutant enzyme is the result of its inability to bind to the methyl donor substrate (Gillis, 2014). This alteration is predicted to be deleterious by in silico analysis. Based on the available evidence, this alteration is classified as pathogenic.

Pediatric Genetics Clinic, Sheba Medical Center
Classification: Pathogenic for Microcephaly, short stature, and impaired glucose metabolism 1. Last evaluated: 2021-05-13. Review status: no assertion criteria provided. Collection method: clinical testing. Allele origin: inherited. Affected: yes. Observed: 1 homozygote. Not counted in ClinVar's aggregate classification.

OMIM
Classification: Pathogenic for MICROCEPHALY, SHORT STATURE, AND IMPAIRED GLUCOSE METABOLISM 1. Last evaluated: 2014-09-01. Review status: no assertion criteria provided. Collection method: literature only. Allele origin: germline. Not counted in ClinVar's aggregate classification.

Literature cited by the submitters: PubMed 25053765 (cited by 3 submitters); PubMed 35137278 (cited by Labcorp Genetics (formerly Invitae), Labcorp); PubMed 33448213 (cited by Ambry Genetics).